The following is an entry in ClinVar:

NM_012431.3(SEMA3E):c.551-3T>C

Gene: SEMA3E (semaphorin 3E; minus strand). Cytogenetic location: 7q21.11.
Variant type: single nucleotide variant.
Coding change: c.551-3T>C on transcript NM_012431.3 (MANE Select); 3 bases into the intron before coding-DNA position 551, T replaced by C.
Molecular consequence: intron variant.
Genome position (GRCh38, 1-based): chr7:83,408,490, A>G on the plus strand (T>C on the coding strand, the complement: SEMA3E is on the minus strand). VCF-style: chr7-83408490-A-G. GRCh37 (hg19) VCF-style: chr7-83037806-A-G.
Other names: c.371-3T>C (NM_001178129.2).
Identifiers: ClinVar variation 3706604 (VCV003706604.2).

ClinVar aggregate classification (germline): Uncertain significance (1 of 4 stars; one submission).

Conditions:
CHARGE syndrome (CHARGE). Also called: Hittner Hirsch Kreh syndrome; CHARGE ASSOCIATION--COLOBOMA, HEART ANOMALY, CHOANAL ATRESIA, RETARDATION, GENITAL AND EAR ANOMALIES; Coloboma, heart anomaly, choanal atresia, retardation, genital and ear anomalies; CHARGE association; Hall-Hittner syndrome. Identifiers: Orphanet 138, MedGen C0265354, MONDO:0008965.

gnomAD v4.1: 10 of 1,613,592 alleles (0.00062%); highest among the groups gnomAD compares: Non-Finnish European, 0.00085%; no homozygotes.

Submission:

Labcorp Genetics (formerly Invitae), Labcorp
Classification: Uncertain significance for CHARGE syndrome. Last evaluated: 2024-04-25. Review status: criteria provided, single submitter. Criteria: Invitae Variant Classification Sherloc (09022015). Collection method: clinical testing. Allele origin: germline.
Comment: This sequence change falls in intron 5 of the SEMA3E gene. It does not directly change the encoded amino acid sequence of the SEMA3E protein. It affects a nucleotide within the consensus splice site. This variant is present in population databases (no rsID available, gnomAD 0.0009%). This variant has not been reported in the literature in individuals affected with SEMA3E-related conditions. Variants that disrupt the consensus splice site are a relatively common cause of aberrant splicing (PMID: 17576681, 9536098). Algorithms developed to predict the effect of sequence changes on RNA splicing suggest that this variant is not likely to affect RNA splicing. In summary, the available evidence is currently insufficient to determine the role of this variant in disease. Therefore, it has been classified as a Variant of Uncertain Significance.

Literature cited by the submitters: PubMed 17576681; PubMed 9536098.